The following is an entry in ClinVar:

ClinVar aggregate classification (germline): Conflicting classifications of pathogenicity. Review status: criteria provided, conflicting classifications (1 of 4 stars). 5 submissions from 5 submitters: Uncertain significance (4); Likely benign (1). Last evaluated 2026-09-30.

Conditions:
Kufor-Rakeb syndrome (KRS). Also called: PARKINSON DISEASE 9, AUTOSOMAL RECESSIVE, JUVENILE-ONSET. Identifiers: Orphanet 306674, Orphanet 314632, MedGen C1847640, MONDO:0011706, OMIM 606693.
Autosomal recessive spastic paraplegia type 78. Identifiers: Orphanet 513436, MedGen C5567893, MONDO:0014975, OMIM 617225.
Inborn genetic diseases. Identifiers: MedGen C0950123, MeSH D030342.

Allele frequency attached by ClinVar (database versions not stated): ExAC 0.00002; gnomAD exomes 0.00002 and 0.00005; gnomAD 0.00003 and 0.00004; TOPMed 0.00004.
gnomAD v4.1: 80 of 1,614,072 alleles (0.005%); highest among the groups gnomAD compares: Middle Eastern, 0.016%; no homozygotes.

Submissions (5):

GeneDx
Classification: Uncertain significance. Last evaluated: 2026-09-30. Review status: criteria provided, single submitter. Criteria: GeneDx Variant Classification Process June 2021. Collection method: clinical testing. Allele origin: germline.
Comment: Not observed at significant frequency in large population cohorts (gnomAD); In silico analysis suggests that this missense variant does not alter protein structure/function; Has not been previously published as pathogenic or benign to our knowledge; This variant is associated with the following publications: (PMID: 27535533)

Ambry Genetics
Classification: Likely benign for Inborn genetic diseases. Last evaluated: 2023-11-21. Review status: criteria provided, single submitter. Criteria: Ambry Variant Classification Scheme 2023. Collection method: clinical testing. Allele origin: germline.

Labcorp Genetics (formerly Invitae), Labcorp
Classification: Uncertain significance for Kufor-Rakeb syndrome; Autosomal recessive spastic paraplegia type 78. Last evaluated: 2022-01-05. Review status: criteria provided, single submitter. Criteria: Invitae Variant Classification Sherloc (09022015). Collection method: clinical testing. Allele origin: germline.
Comment: This sequence change replaces valine, which is neutral and non-polar, with isoleucine, which is neutral and non-polar, at codon 803 of the ATP13A2 protein (p.Val803Ile). This variant is present in population databases (rs747785443, gnomAD 0.007%). This variant has not been reported in the literature in individuals affected with ATP13A2-related conditions. ClinVar contains an entry for this variant (Variation ID: 293779). Advanced modeling of protein sequence and biophysical properties (such as structural, functional, and spatial information, amino acid conservation, physicochemical variation, residue mobility, and thermodynamic stability) performed at Invitae indicates that this missense variant is not expected to disrupt ATP13A2 protein function. In summary, the available evidence is currently insufficient to determine the role of this variant in disease. Therefore, it has been classified as a Variant of Uncertain Significance.

CeGaT Center for Human Genetics Tuebingen
Classification: Uncertain significance. Last evaluated: 2021-06-01. Review status: criteria provided, single submitter. Criteria: CeGaT Center For Human Genetics Tuebingen Variant Classification Criteria Version 2. Collection method: clinical testing. Allele origin: germline. Affected: yes. Observed: 1 variant allele.

Illumina Laboratory Services, Illumina
Classification: Uncertain significance for Kufor-Rakeb syndrome. Last evaluated: 2018-01-13. Review status: criteria provided, single submitter. Criteria: ICSL Variant Classification Criteria 13 December 2019. Collection method: clinical testing. Allele origin: germline.

NM_022089.4(ATP13A2):c.2407G>A (p.Val803Ile)

Gene: ATP13A2 (ATPase cation transporting 13A2; minus strand). Cytogenetic location: 1p36.13.
Variant type: single nucleotide variant.
Coding change: c.2407G>A on transcript NM_022089.4 (MANE Select); coding-DNA position 2407, G replaced by A.
Protein change: p.Val803Ile; replaces valine 803 with isoleucine.
Molecular consequence: missense variant.
Genome position (GRCh38, 1-based): chr1:16,990,132, C>T on the plus strand (G>A on the coding strand, the complement: ATP13A2 is on the minus strand). VCF-style: chr1-16990132-C-T. GRCh37 (hg19) VCF-style: chr1-17316627-C-T.
Other names: c.2392G>A, p.Val798Ile (NM_001141973.3, NM_001141974.3); short protein forms V803I, V798I.
Identifiers: ClinVar variation 293779 (VCV000293779.45), dbSNP rs747785443, ClinGen allele CA636855.